The following is an entry in ClinVar:

NM_000718.4(CACNA1B):c.3521G>A (p.Arg1174His)

Gene: CACNA1B (calcium voltage-gated channel subunit alpha1 B; plus strand). Cytogenetic location: 9q34.3.
Variant type: single nucleotide variant.
Coding change: c.3521G>A on transcript NM_000718.4 (MANE Select); coding-DNA position 3521, G replaced by A.
Protein change: p.Arg1174His; replaces arginine 1174 with histidine.
Molecular consequence: missense variant.
Genome position (GRCh38, 1-based): chr9:138,047,011, G>A. VCF-style: chr9-138047011-G-A. GRCh37 (hg19) VCF-style: chr9-140941463-G-A.
Other names: c.3521G>A, p.Arg1174His (NM_001243812.2); short protein forms R1174H.
Identifiers: ClinVar variation 1918565 (VCV001918565.3), dbSNP rs200292544, ClinGen allele CA5376704.

ClinVar aggregate classification (germline): Uncertain significance (1 of 4 stars; one submission).

Allele frequency attached by ClinVar (database versions not stated): ExAC 0.00001.
gnomAD v4.1: 16 of 1,612,296 alleles (0.00099%); highest among the groups gnomAD compares: Admixed American, 0.0017%; no homozygotes.

Submission:

Labcorp Genetics (formerly Invitae), Labcorp
Classification: Uncertain significance. Last evaluated: 2022-06-26. Review status: criteria provided, single submitter. Criteria: Invitae Variant Classification Sherloc (09022015). Collection method: clinical testing. Allele origin: germline.
Comment: Advanced modeling of protein sequence and biophysical properties (such as structural, functional, and spatial information, amino acid conservation, physicochemical variation, residue mobility, and thermodynamic stability) performed at Invitae indicates that this missense variant is not expected to disrupt CACNA1B protein function. In summary, the available evidence is currently insufficient to determine the role of this variant in disease. Therefore, it has been classified as a Variant of Uncertain Significance. This variant has not been reported in the literature in individuals affected with CACNA1B-related conditions. This variant is present in population databases (rs200292544, gnomAD 0.005%). This sequence change replaces arginine, which is basic and polar, with histidine, which is basic and polar, at codon 1174 of the CACNA1B protein (p.Arg1174His).